The following is an entry in ClinVar:

ClinVar aggregate classification (germline): Uncertain significance (1 of 4 stars; one submission).

Conditions:
Autosomal dominant Parkinson disease 8. Also called: LRRK2-Related Parkinson Disease; Parkinson disease 8; Parkinson disease 8, susceptibility to. Identifiers: Orphanet 411602, MedGen C1846862, MONDO:0011764, OMIM 607060.

Allele frequency attached by ClinVar (database versions not stated): gnomAD exomes below 0.00001; TOPMed below 0.00001.
gnomAD v4.1: 2 of 1,612,126 alleles (0.00012%); highest among the groups gnomAD compares: Non-Finnish European, 0.00017%; no homozygotes.

Submission:

Labcorp Genetics (formerly Invitae), Labcorp
Classification: Uncertain significance for Autosomal dominant Parkinson disease 8. Last evaluated: 2024-09-16. Review status: criteria provided, single submitter. Criteria: Invitae Variant Classification Sherloc (09022015). Collection method: clinical testing. Allele origin: germline.
Comment: This sequence change replaces glycine, which is neutral and non-polar, with arginine, which is basic and polar, at codon 1837 of the LRRK2 protein (p.Gly1837Arg). This variant also falls at the last nucleotide of exon 37, which is part of the consensus splice site for this exon. This variant is not present in population databases (gnomAD no frequency). This variant has not been reported in the literature in individuals affected with LRRK2-related conditions. ClinVar contains an entry for this variant (Variation ID: 1504124). An algorithm developed to predict the effect of missense changes on protein structure and function (PolyPhen-2) suggests that this variant is likely to be disruptive. Variants that disrupt the consensus splice site are a relatively common cause of aberrant splicing (PMID: 17576681, 9536098). Algorithms developed to predict the effect of sequence changes on RNA splicing suggest that this variant may disrupt the consensus splice site. In summary, the available evidence is currently insufficient to determine the role of this variant in disease. Therefore, it has been classified as a Variant of Uncertain Significance.

Literature cited by the submitters: PubMed 17576681; PubMed 9536098.

NM_198578.4(LRRK2):c.5509G>A (p.Gly1837Arg)

Gene: LRRK2 (leucine rich repeat kinase 2; plus strand). Cytogenetic location: 12q12.
Variant type: single nucleotide variant.
Coding change: c.5509G>A on transcript NM_198578.4 (MANE Select); coding-DNA position 5509, G replaced by A.
Protein change: p.Gly1837Arg; replaces glycine 1837 with arginine.
Molecular consequence: missense variant.
Genome position (GRCh38, 1-based): chr12:40,322,510, G>A. VCF-style: chr12-40322510-G-A. GRCh37 (hg19) VCF-style: chr12-40716312-G-A.
Other names: short protein forms G1837R.
Identifiers: ClinVar variation 1504124 (VCV001504124.8), dbSNP rs201459392, ClinGen allele CA235363327.
Genomic context (GRCh38, chr12:40,322,510, plus strand): 5'-AATGATGGTGAAGAACATCAAAAAATCTTACTTGATGACTTGATGAAGAAAGCAGAGGAA[G>A]GTATGTTTTGATACAACTTACAAATGCTTTTAAGTGATCCTTCAATACTTATGAAGTGAC-3'
Protein context (NP_940980.4, residues 1827-1847): LDDLMKKAEE[Gly1837Arg]DLLVNPDQPR